The following is an entry in ClinVar:

NM_005245.4(FAT1):c.13476T>G (p.Asn4492Lys)

Genes: FAT1 (FAT atypical cadherin 1; minus strand), LOC126807253 (BRD4-independent group 4 enhancer GRCh37_chr4:187509297-187510496; plus strand). Cytogenetic location: 4q35.2.
Variant type: single nucleotide variant.
Coding change: c.13476T>G on transcript NM_005245.4 (MANE Select); coding-DNA position 13476, T replaced by G.
Protein change: p.Asn4492Lys; replaces asparagine 4492 with lysine.
Molecular consequence: missense variant.
Genome position (GRCh38, 1-based): chr4:186,588,883, A>C on the plus strand (T>G on the coding strand, the complement: FAT1 is on the minus strand). VCF-style: chr4-186588883-A-C. GRCh37 (hg19) VCF-style: chr4-187510037-A-C.
Other names: short protein forms N4492K.
Identifiers: ClinVar variation 1312431 (VCV001312431.6), dbSNP rs199927785, ClinGen allele CA3164525.

ClinVar aggregate classification (germline): Uncertain significance. Review status: criteria provided, multiple submitters, no conflicts (2 of 4 stars). 2 submissions from 2 submitters: Uncertain significance (2). Last evaluated 2024-10-11.

Allele frequency attached by ClinVar (database versions not stated): ESP Exome Variant Server 0.00025; TOPMed 0.00029; gnomAD 0.00032; gnomAD exomes 0.00046; ExAC 0.00060.

Submissions (2):

Labcorp Genetics (formerly Invitae), Labcorp
Classification: Uncertain significance. Last evaluated: 2024-10-11. Review status: criteria provided, single submitter. Criteria: Invitae Variant Classification Sherloc (09022015). Collection method: clinical testing. Allele origin: germline.
Comment: This sequence change replaces asparagine, which is neutral and polar, with lysine, which is basic and polar, at codon 4492 of the FAT1 protein (p.Asn4492Lys). This variant is present in population databases (rs199927785, gnomAD 0.1%), and has an allele count higher than expected for a pathogenic variant. This variant has not been reported in the literature in individuals affected with FAT1-related conditions. ClinVar contains an entry for this variant (Variation ID: 1312431). An algorithm developed to predict the effect of missense changes on protein structure and function (PolyPhen-2) suggests that this variant¬†is likely to be tolerated. In summary, the available evidence is currently insufficient to determine the role of this variant in disease. Therefore, it has been classified as a Variant of Uncertain Significance.

GeneDx
Classification: Uncertain significance. Last evaluated: 2019-10-01. Review status: criteria provided, single submitter. Criteria: GeneDx Variant Classification Process June 2021. Collection method: clinical testing. Allele origin: germline. Affected: yes.
Comment: In silico analysis, which includes protein predictors and evolutionary conservation, supports that this variant does not alter protein structure/function; Variants in candidate genes are classified as variants of uncertain significance in accordance with ACMG guidelines (Richards et al., 2015); Has not been previously reported in as germline pathogenic or benign to our knowledge; This variant is associated with the following publications: (PMID: 26193321)